The following is an entry in ClinVar:

NM_000292.3(PHKA2):c.2365C>T (p.Pro789Ser)

Gene: PHKA2 (phosphorylase kinase regulatory subunit alpha 2; minus strand). Cytogenetic location: Xp22.13.
Variant type: single nucleotide variant.
Coding change: c.2365C>T on transcript NM_000292.3 (MANE Select); coding-DNA position 2365, C replaced by T.
Protein change: p.Pro789Ser; replaces proline 789 with serine.
Molecular consequence: missense variant.
Genome position (GRCh38, 1-based): chrX:18,908,052, G>A on the plus strand (C>T on the coding strand, the complement: PHKA2 is on the minus strand). VCF-style: chrX-18908052-G-A. GRCh37 (hg19) VCF-style: chrX-18926170-G-A.
Other names: short protein forms P789S.
Identifiers: ClinVar variation 445969 (VCV000445969.13), dbSNP rs138395800, ClinGen allele CA10361652.

ClinVar aggregate classification (germline): Likely benign. Review status: criteria provided, multiple submitters, no conflicts (2 of 4 stars). 3 submissions from 3 submitters: Likely benign (2). 1 of the submissions does not count toward it. Last evaluated 2026-01-20.

Conditions:
PHKA2-related disorder. Also called: PHKA2-related condition.
Glycogen storage disease IXa1. Also called: LIVER GLYCOGENOSIS, X-LINKED, TYPE I; GLYCOGEN STORAGE DISEASE VIII; GSD VIII; Glycogen storage disease 8. Identifiers: Orphanet 264580, MedGen C3694531, MONDO:0010598, OMIM 306000.

Allele frequency attached by ClinVar (database versions not stated): gnomAD exomes 0.00006 and 0.00024; ExAC 0.00032; 1000 Genomes Project 0.00053; gnomAD 0.00065 and 0.00068; TOPMed 0.00074; 1000 Genomes Project 30x 0.00083; ESP Exome Variant Server 0.00123.
gnomAD v4.1: 146 of 1,208,972 alleles (0.012%); highest among the groups gnomAD compares: African/African-American, 0.23%; no homozygotes.

Submissions (3):

Labcorp Genetics (formerly Invitae), Labcorp
Classification: Likely benign for Glycogen storage disease IXa1. Last evaluated: 2026-01-20. Review status: criteria provided, single submitter. Criteria: Invitae Variant Classification Sherloc (09022015). Collection method: clinical testing. Allele origin: germline.

Center for Pediatric Genomic Medicine, Children's Mercy Hospital and Clinics
Classification: Likely benign. Last evaluated: 2017-05-15. Review status: criteria provided, single submitter. Criteria: ACMG Guidelines, 2015. Collection method: clinical testing. Allele origin: germline.

PreventionGenetics, part of Exact Sciences
Classification: Likely benign for PHKA2-related condition. Last evaluated: 2020-03-14. Review status: no assertion criteria provided. Collection method: clinical testing. Allele origin: germline. Not counted in ClinVar's aggregate classification.
Comment: This variant is classified as likely benign based on ACMG/AMP sequence variant interpretation guidelines (Richards et al. 2015 PMID: 25741868, with internal and published modifications).